The following is an entry in ClinVar:

NM_001042492.3(NF1):c.3870+1G>C

Gene: NF1 (neurofibromin 1; plus strand). Cytogenetic location: 17q11.2.
Variant type: single nucleotide variant.
Coding change: c.3870+1G>C on transcript NM_001042492.3 (MANE Select); the canonical splice donor site of the intron after coding-DNA position 3870, G replaced by C.
Molecular consequence: splice donor variant.
Genome position (GRCh38, 1-based): chr17:31,235,773, G>C. VCF-style: chr17-31235773-G-C. GRCh37 (hg19) VCF-style: chr17-29562791-G-C.
Other names: c.3870+1G>C (NM_000267.4).
Identifiers: ClinVar variation 863762 (VCV000863762.6), dbSNP rs1131691075, ClinGen allele CA398992941.

ClinVar aggregate classification (germline): Pathogenic/Likely pathogenic. Review status: criteria provided, multiple submitters, no conflicts (2 of 4 stars). 3 submissions from 3 submitters: Pathogenic (2); Likely pathogenic (1). Last evaluated 2024-10-03.

Conditions:
Neurofibromatosis, type 1 (NF1). Also called: Neurofibromatosis, type I; VON RECKLINGHAUSEN DISEASE; Peripheral type neurofibromatosis; NEUROFIBROMATOSIS, TYPE I, SOMATIC. Identifiers: Orphanet 636, MedGen C0027831, MONDO:0018975, OMIM 162200. Disease mechanism: loss of function.

Submissions (3):

Institute for Genomic Medicine (IGM) Clinical Laboratory, Nationwide Children's Hospital
Classification: Pathogenic for Neurofibromatosis, type 1. Last evaluated: 2024-10-03. Review status: criteria provided, single submitter. Criteria: ACMG Guidelines, 2015. Collection method: clinical testing. Allele origin: germline.
Comment: This variant is predicted to result in loss of function through nonsense-mediated decay of the encoded transcript or premature truncation of the encoded protein in a gene in which loss of function is a known mechanism of disease (ACMG/AMP: PVS1; PMID:18546366). This variant has been reported at an elevated frequency in affected individuals/in multiple affected individuals in the literature (ACMG/AMP: PS4; PMIDs:11431704, 12807981). This variant is absent from or present at an exceedingly low frequency in gnomAD, a large-scale control population database (ACMG/AMP: PM2).

Mayo Clinic Laboratories, Mayo Clinic
Classification: Likely pathogenic. Last evaluated: 2023-05-23. Review status: criteria provided, single submitter. Criteria: ACMG Guidelines, 2015. Collection method: clinical testing. Allele origin: germline. Observed: 1 variant allele.
Comment: PP4, PM2, PS4_moderate, PVS1_strong

Labcorp Genetics (formerly Invitae), Labcorp
Classification: Pathogenic for Neurofibromatosis, type 1. Last evaluated: 2021-06-13. Review status: criteria provided, single submitter. Criteria: Invitae Variant Classification Sherloc (09022015). Collection method: clinical testing. Allele origin: germline.
Comment: Studies have shown that this variant is associated with altered splicing, which introduces a premature termination codon (PMID: 12807981). The resulting mRNA is expected to undergo nonsense-mediated decay. This variant has been observed in an individual with clinical features of neurofibromatosis type 1 (PMID: 11431704, 12807981). This variant is also known as IVS22+1C>G and IVS22+1G>C in the literature. It has also been observed to segregate with disease in related individuals. ClinVar contains an entry for this variant (Variation ID: 863762). This variant is not present in population databases (ExAC no frequency). This sequence change affects a donor splice site in intron 28 of the NF1 gene. RNA analysis indicates that this variant induces altered splicing and may result in an absent or disrupted protein product. For these reasons, this variant has been classified as Pathogenic.

Literature cited by the submitters: PubMed 18546366 (cited by Institute for Genomic Medicine (IGM) Clinical Laboratory, Nationwide Children's Hospital and Mayo Clinic Laboratories, Mayo Clinic); PubMed 11431704 (cited by Institute for Genomic Medicine (IGM) Clinical Laboratory, Nationwide Children's Hospital and Labcorp Genetics (formerly Invitae), Labcorp); PubMed 12807981 (cited by 3 submitters).